The following is an entry in ClinVar:

NM_138792.4(LEO1):c.1139A>G (p.Asn380Ser)

Gene: LEO1 (LEO1 homolog, Paf1/RNA polymerase II complex component; minus strand). Cytogenetic location: 15q21.2.
Variant type: single nucleotide variant.
Coding change: c.1139A>G on transcript NM_138792.4 (MANE Select); coding-DNA position 1139, A replaced by G.
Protein change: p.Asn380Ser; replaces asparagine 380 with serine.
Molecular consequence: missense variant.
Genome position (GRCh38, 1-based): chr15:51,959,920, T>C on the plus strand (A>G on the coding strand, the complement: LEO1 is on the minus strand). VCF-style: chr15-51959920-T-C. GRCh37 (hg19) VCF-style: chr15-52252117-T-C.
Other names: c.1139A>G, p.Asn380Ser (NM_001286430.2, NM_001323903.2, NM_001323904.2); short protein forms N380S.
Identifiers: ClinVar variation 2635817 (VCV002635817.1), dbSNP rs2542514625, ClinGen allele CA392475345.
Genomic context (GRCh38, chr15:51,959,920, plus strand): 5'-TACTCAACATCCTGAAAAAATTTTAATTGATTTCCTTACCTGGGCTCTACACTGAGAAAG[T>C]TGGGCAGTTTAACAAAATATAAGTCGTTTCCTAAATCAGTGTTTACTTTGGGTATTTCTA-3'
Protein context (NP_620147.1, residues 370-390): GNDLYFVKLP[Asn380Ser]FLSVEPRPFD

ClinVar aggregate classification (germline): Uncertain significance (1 of 4 stars; one submission).

Conditions:
LEO1-related disorder. Also called: LEO1-related condition.

Submission:

PreventionGenetics, part of Exact Sciences
Classification: Uncertain significance for LEO1-related condition. Last evaluated: 2023-03-24. Review status: criteria provided, single submitter. Criteria: ACMG Guidelines, 2015. Collection method: clinical testing. Allele origin: germline.
Comment: The LEO1 c.1139A>G variant is predicted to result in the amino acid substitution p.Asn380Ser. To our knowledge, this variant has not been reported in the literature or in a large population database, indicating this variant is rare. Although we suspect that this variant may be pathogenic, at this time, the clinical significance of this variant is uncertain due to the absence of conclusive functional and genetic evidence.